The following is an entry in ClinVar:

ClinVar aggregate classification (germline): Uncertain significance (1 of 4 stars; one submission).

Conditions:
Birt-Hogg-Dube syndrome. Also called: Birt Hogg Dubé syndrome. Identifiers: Orphanet 122, MedGen C0346010, MONDO:0800444.

Submission:

Labcorp Genetics (formerly Invitae), Labcorp
Classification: Uncertain significance for Birt-Hogg-Dube syndrome. Last evaluated: 2023-06-15. Review status: criteria provided, single submitter. Criteria: Invitae Variant Classification Sherloc (09022015). Collection method: clinical testing. Allele origin: germline.
Comment: In summary, the available evidence is currently insufficient to determine the role of this variant in disease. Therefore, it has been classified as a Variant of Uncertain Significance. This variant has not been reported in the literature in individuals affected with FLCN-related conditions. This variant is not present in population databases (gnomAD no frequency). This variant, c.1577_1582dup, results in the insertion of 2 amino acid(s) of the FLCN protein (p.Arg527_Pro528insArgArg), but otherwise preserves the integrity of the reading frame.

NM_144997.7(FLCN):c.1577_1582dup (p.Arg527_Pro528insArgArg)

Gene: FLCN (folliculin; minus strand). Cytogenetic location: 17p11.2.
Variant type: Duplication.
Coding change: c.1577_1582dup on transcript NM_144997.7 (MANE Select); coding-DNA positions 1577 to 1582, 6 bases duplicated (GTCGAC; older notation c.1577_1582dupGTCGAC).
Protein change: p.Arg527_Pro528insArgArg.
Molecular consequence: inframe insertion.
Genome position (GRCh38, 1-based): chr17:17,213,813-17,213,818, GTCGAC duplicated on the plus strand (GTCGAC on the coding strand, the reverse complement: FLCN is on the minus strand). VCF-style (leftmost placement, unchanged base first): chr17-17213812-G-GGTCGAC. GRCh37 (hg19) VCF-style: chr17-17117126-G-GGTCGAC.
Other names: c.1631_1636dup, p.Arg545_Pro546insArgArg (NM_001353229.2); c.1577_1582dup, p.Arg527_Pro528insArgArg (NM_001353230.2, NM_001353231.2).
Identifiers: ClinVar variation 2716345 (VCV002716345.3), dbSNP rs2544125635, ClinGen allele CA2697559472.